The following is an entry in ClinVar:

ClinVar aggregate classification (germline): Uncertain significance (1 of 4 stars; one submission).

Conditions:
Congenital contractural arachnodactyly (CCA). Also called: BEALS SYNDROME; Beals-Hecht syndrome; Arthrogryposis, distal, type 9. Identifiers: Orphanet 115, MedGen C0220668, MONDO:0007363, OMIM 121050.

Submission:

Labcorp Genetics (formerly Invitae), Labcorp
Classification: Uncertain significance for Congenital contractural arachnodactyly. Last evaluated: 2023-12-22. Review status: criteria provided, single submitter. Criteria: Invitae Variant Classification Sherloc (09022015). Collection method: clinical testing. Allele origin: germline.
Comment: This sequence change replaces serine, which is neutral and polar, with arginine, which is basic and polar, at codon 2360 of the FBN2 protein (p.Ser2360Arg). This variant is not present in population databases (gnomAD no frequency). This missense change has been observed in individual(s) with FBN2-related conditions (Invitae). Advanced modeling of protein sequence and biophysical properties (such as structural, functional, and spatial information, amino acid conservation, physicochemical variation, residue mobility, and thermodynamic stability) performed at Invitae indicates that this missense variant is expected to disrupt FBN2 protein function with a positive predictive value of 80%. In summary, the available evidence is currently insufficient to determine the role of this variant in disease. Therefore, it has been classified as a Variant of Uncertain Significance.

NM_001999.4(FBN2):c.7080C>A (p.Ser2360Arg)

Gene: FBN2 (fibrillin 2; minus strand). Cytogenetic location: 5q23.3.
Variant type: single nucleotide variant.
Coding change: c.7080C>A on transcript NM_001999.4 (MANE Select); coding-DNA position 7080, C replaced by A.
Protein change: p.Ser2360Arg; replaces serine 2360 with arginine.
Molecular consequence: missense variant.
Genome position (GRCh38, 1-based): chr5:128,280,250, G>T on the plus strand (C>A on the coding strand, the complement: FBN2 is on the minus strand). VCF-style: chr5-128280250-G-T. GRCh37 (hg19) VCF-style: chr5-127615942-G-T.
Other names: short protein forms S2360R.
Identifiers: ClinVar variation 2704842 (VCV002704842.3), dbSNP rs746241567, ClinGen allele CA360757676.